The following is an entry in ClinVar:

ClinVar aggregate classification (germline): Uncertain significance. Review status: criteria provided, multiple submitters, no conflicts (2 of 4 stars). 2 submissions from 2 submitters: Uncertain significance (2). Last evaluated 2025-07-14.

Conditions:
Cardiomyopathy (CMYO). Also called: Cardiomyopathies. Identifiers: Orphanet 167848, MedGen C0878544, MONDO:0004994, HP:0001638. Inheritance: Various modes of inheritance.
Catecholaminergic polymorphic ventricular tachycardia 1. Also called: VENTRICULAR TACHYCARDIA, CATECHOLAMINERGIC POLYMORPHIC, 1, WITH OR WITHOUT ATRIAL DYSFUNCTION AND/OR DILATED CARDIOMYOPATHY; RYR2-Related Catecholaminergic Polymorphic Ventricular Tachycardia; VENTRICULAR TACHYCARDIA, STRESS-INDUCED POLYMORPHIC 1. Identifiers: Orphanet 3286, MedGen C1631597, MONDO:0011484, OMIM 604772.

Submissions (2):

Color Diagnostics, LLC DBA Color Health
Classification: Uncertain significance for Cardiomyopathy. Last evaluated: 2025-07-14. Review status: criteria provided, single submitter. Criteria: ACMG Guidelines, 2015. Collection method: clinical testing. Allele origin: germline.
Comment: This missense variant replaces serine with cysteine at codon 627 of the RYR2 protein. Computational prediction suggests that this variant may have deleterious impact on protein structure and function. To our knowledge, functional studies have not been reported for this variant. This variant has not been reported in individuals affected with RYR2-related disorders in the literature. This variant has not been identified in the general population by the Genome Aggregation Database (gnomAD). The available evidence is insufficient to determine the role of this variant in disease conclusively. Therefore, this variant is classified as a Variant of Uncertain Significance.

Labcorp Genetics (formerly Invitae), Labcorp
Classification: Uncertain significance for Catecholaminergic polymorphic ventricular tachycardia 1. Last evaluated: 2022-03-15. Review status: criteria provided, single submitter. Criteria: Invitae Variant Classification Sherloc (09022015). Collection method: clinical testing. Allele origin: germline.
Comment: This sequence change replaces serine, which is neutral and polar, with cysteine, which is neutral and slightly polar, at codon 627 of the RYR2 protein (p.Ser627Cys). In summary, the available evidence is currently insufficient to determine the role of this variant in disease. Therefore, it has been classified as a Variant of Uncertain Significance. Advanced modeling of protein sequence and biophysical properties (such as structural, functional, and spatial information, amino acid conservation, physicochemical variation, residue mobility, and thermodynamic stability) performed at Invitae indicates that this missense variant is expected to disrupt RYR2 protein function. This variant has not been reported in the literature in individuals affected with RYR2-related conditions. This variant is not present in population databases (gnomAD no frequency).

NM_001035.3(RYR2):c.1880C>G (p.Ser627Cys)

Gene: RYR2 (ryanodine receptor 2; plus strand). Cytogenetic location: 1q43.
Variant type: single nucleotide variant.
Coding change: c.1880C>G on transcript NM_001035.3 (MANE Select); coding-DNA position 1880, C replaced by G.
Protein change: p.Ser627Cys; replaces serine 627 with cysteine.
Molecular consequence: missense variant.
Genome position (GRCh38, 1-based): chr1:237,493,006, C>G. VCF-style: chr1-237493006-C-G. GRCh37 (hg19) VCF-style: chr1-237656306-C-G.
Other names: short protein forms S627C.
Identifiers: ClinVar variation 2111129 (VCV002111129.5), dbSNP rs2545802845, ClinGen allele CA345389453.
Genomic context (GRCh38, chr1:237,493,006, plus strand): 5'-CTTTTCAGGTTCTGGATGTCTTGTGCTCACTCTGTGTTTGCCACGGGGTTGCAGTCCGTT[C>G]TAACCAGCATCTCATCTGTGACAATCTCCTACCAGGAAGAGACTTGTTATTGCAGACACG-3'
Protein context (NP_001026.2, residues 617-637): LCVCHGVAVR[Ser627Cys]NQHLICDNLL